The following is an entry in ClinVar:

ClinVar aggregate classification (germline): Uncertain significance (1 of 4 stars; one submission).

gnomAD v4.1: 1 of 1,614,074 alleles (0.000062%); highest among the groups gnomAD compares: Non-Finnish European, 0.000085%; no homozygotes.

Submission:

Labcorp Genetics (formerly Invitae), Labcorp
Classification: Uncertain significance. Last evaluated: 2025-07-30. Review status: criteria provided, single submitter. Criteria: Invitae Variant Classification Sherloc (09022015). Collection method: clinical testing. Allele origin: germline.
Comment: This sequence change falls in intron 7 of the ROR2 gene. It does not directly change the encoded amino acid sequence of the ROR2 protein. It affects a nucleotide within the consensus splice site. This variant is not present in population databases (gnomAD no frequency). This variant has not been reported in the literature in individuals affected with ROR2-related conditions. Variants that disrupt the consensus splice site are a relatively common cause of aberrant splicing (PMID: 17576681, 9536098). Algorithms developed to predict the effect of sequence changes on RNA splicing suggest that this variant may disrupt the consensus splice site. In summary, the available evidence is currently insufficient to determine the role of this variant in disease. Therefore, it has been classified as a Variant of Uncertain Significance.

Literature cited by the submitters: PubMed 17576681; PubMed 9536098.

NM_004560.4(ROR2):c.1183+3A>C

Gene: ROR2 (receptor tyrosine kinase like orphan receptor 2; minus strand). Cytogenetic location: 9q22.31.
Variant type: single nucleotide variant.
Coding change: c.1183+3A>C on transcript NM_004560.4 (MANE Select); 3 bases into the intron after coding-DNA position 1183, A replaced by C.
Molecular consequence: intron variant.
Genome position (GRCh38, 1-based): chr9:91,730,907, T>G on the plus strand (A>C on the coding strand, the complement: ROR2 is on the minus strand). VCF-style: chr9-91730907-T-G. GRCh37 (hg19) VCF-style: chr9-94493189-T-G.
Other names: c.1149+37A>C (NM_001318204.2).
Identifiers: ClinVar variation 4716045 (VCV004716045.1).